The following is an entry in ClinVar:

ClinVar aggregate classification (germline): Conflicting classifications of pathogenicity. Review status: criteria provided, conflicting classifications (1 of 4 stars). 2 submissions from 2 submitters: Uncertain significance (1); Likely benign (1). Last evaluated 2026-01-22.

Conditions:
TLN1-related disorder. Also called: TLN1-related condition.

gnomAD v4.1: 15 of 1,595,396 alleles (0.00094%); highest among the groups gnomAD compares: Admixed American, 0.0067%; no homozygotes.

Submissions (2):

PreventionGenetics, part of Exact Sciences
Classification: Uncertain significance for TLN1-related condition. Last evaluated: 2026-01-22. Review status: criteria provided, single submitter. Criteria: ACMG Guidelines, 2015. Collection method: clinical testing. Allele origin: germline.
Comment: The TLN1 c.2000C>T variant is predicted to result in the amino acid substitution p.Ala667Val. To our knowledge, this variant has not been reported in the literature. This variant is reported in 0.0088% of alleles in individuals of Latino descent in gnomAD. At this time, the clinical significance of this variant is uncertain due to the absence of conclusive functional and genetic evidence.

Ambry Genetics
Classification: Likely benign. Last evaluated: 2024-07-14. Review status: criteria provided, single submitter. Criteria: Ambry Variant Classification Scheme 2023. Collection method: clinical testing. Allele origin: germline.

NM_006289.4(TLN1):c.2000C>T (p.Ala667Val)

Gene: TLN1 (talin 1; minus strand). Cytogenetic location: 9p13.3.
Variant type: single nucleotide variant.
Coding change: c.2000C>T on transcript NM_006289.4 (MANE Select); coding-DNA position 2000, C replaced by T.
Protein change: p.Ala667Val; replaces alanine 667 with valine.
Molecular consequence: missense variant.
Genome position (GRCh38, 1-based): chr9:35,717,782, G>A on the plus strand (C>T on the coding strand, the complement: TLN1 is on the minus strand). VCF-style: chr9-35717782-G-A. GRCh37 (hg19) VCF-style: chr9-35717779-G-A.
Other names: short protein forms A667V.
Identifiers: ClinVar variation 3456926 (VCV003456926.2).